The following is an entry in ClinVar:

ClinVar aggregate classification (germline): Conflicting classifications of pathogenicity. Review status: criteria provided, conflicting classifications (1 of 4 stars). 4 submissions from 4 submitters: Likely pathogenic (2); Uncertain significance (1). 1 of the submissions does not count toward it. Last evaluated 2025-07-30.

Conditions:
Polycystic kidney disease 4 (PKD4). Also called: POLYCYSTIC KIDNEY DISEASE 4 WITH OR WITHOUT POLYCYSTIC LIVER DISEASE; PKD3; POLYCYSTIC KIDNEY AND HEPATIC DISEASE 1; POLYCYSTIC KIDNEY DISEASE, INFANTILE, TYPE I; Autosomal Recessive Polycystic Kidney Disease – PKHD1. Identifiers: MedGen C4540575, MONDO:0033004, OMIM 263200.
Autosomal recessive polycystic kidney disease (ARPKD). Also called: AR polycystic kidney disease. Identifiers: Orphanet 731, Orphanet 8378, MedGen C0085548, MeSH D017044, MONDO:0009889.

Allele frequency attached by ClinVar (database versions not stated): TOPMed 0.00002.
gnomAD v4.1: 1 of 1,614,154 alleles (0.000062%); no homozygotes.

Submissions (4):

Women's Health and Genetics/Laboratory Corporation of America, LabCorp
Classification: Uncertain significance. Last evaluated: 2025-07-30. Review status: criteria provided, single submitter. Criteria: LabCorp Variant Classification Summary - May 2015. Collection method: clinical testing. Allele origin: germline.
Comment: Variant summary: PKHD1 c.1980C>G (p.Cys660Trp) results in a non-conservative amino acid change in the encoded protein sequence. Algorithms developed to predict the effect of missense changes on protein structure and function all suggest that this variant is likely to be disruptive. The variant was absent in 250910 control chromosomes. The available data on variant occurrences in the general population are insufficient to allow any conclusion about variant significance. To our knowledge, no occurrence of c.1980C>G in individuals affected with Polycystic Kidney And Hepatic Disease and no experimental evidence demonstrating its impact on protein function have been reported. ClinVar contains an entry for this variant (Variation ID: 496516). Based on the evidence outlined above, the variant was classified as uncertain significance.

New York Genome Center
Classification: Likely pathogenic for Polycystic kidney disease 4. Last evaluated: 2024-02-09. Review status: criteria provided, single submitter. Criteria: NYGC Assertion Criteria 2020. Collection method: clinical testing. Allele origin: inherited. Affected: yes. Observed: 1 variant allele, 1 compound heterozygote.
Comment: The heterozygous inherited c.1980C>G variant in the PKHD1 gene has not previously been reported in the literature and has been deposited in ClinVar[ClinVar ID:496516] as a Variant of Uncertain Significance (2 submissions). The c.1980C>G variant has previously been identified in trans with PKHD1 frameshift variant c.3761_3762delinsG (p.(Ala1254GlyfsTer49) in a fetus with autosomal recessive polycystic kidney disease by a clinical lab [Personal communication]. The c.1980C>G variant is observed in 19 alleles (0.0013% minor allele frequency with 0 homozygotes) in population databases (gnomAD v4.0.0, BRAVO-TOPMed, All of US) suggesting it is not a common benign variant in the populations represented in those databases. The c.1980C>G variant is located in exon 21 of this 67-exon gene and is predicted to replace a conserved cysteine amino acid with tryptophan at position 660 (p.(Cys660Trp)) in the PKHD1 gene. In silico predictions are in favor of damaging effect for p.(Cys660Trp) [REVEL = 0.656]; however, there are no functional studies to support or refute these predictions. A different missense variant p.(Cys660Arg) has been reported in the literature with autosomal recessive polycystic kidney disease [PMID:33940108], and the ClinVar database as a likely pathogenic (2 submissions) and variant of uncertain significance (1 submission) [Variation ID:167494]. Given its low frequency in population databases, its presence in this fetus and an unrelated affected fetus in trans with a pathogenic variant, and in silico prediction of a damaging effect to the protein function, this inherited c.1980C>G p.(Cys660Trp) variant identified in PKHD1 is classified as Likely Pathogenic.

Labcorp Genetics (formerly Invitae), Labcorp
Classification: Likely pathogenic for Autosomal recessive polycystic kidney disease. Last evaluated: 2023-12-16. Review status: criteria provided, single submitter. Criteria: Invitae Variant Classification Sherloc (09022015). Collection method: clinical testing. Allele origin: germline.
Comment: This sequence change replaces cysteine, which is neutral and slightly polar, with tryptophan, which is neutral and slightly polar, at codon 660 of the PKHD1 protein (p.Cys660Trp). This variant is not present in population databases (gnomAD no frequency). This variant has not been reported in the literature in individuals affected with PKHD1-related conditions. ClinVar contains an entry for this variant (Variation ID: 496516). Advanced modeling of protein sequence and biophysical properties (such as structural, functional, and spatial information, amino acid conservation, physicochemical variation, residue mobility, and thermodynamic stability) performed at Invitae indicates that this missense variant is expected to disrupt PKHD1 protein function with a positive predictive value of 95%. This variant disrupts the p.Cys660 amino acid residue in PKHD1. Other variant(s) that disrupt this residue have been determined to be pathogenic (Invitae). This suggests that this residue is clinically significant, and that variants that disrupt this residue are likely to be disease-causing. In summary, the currently available evidence indicates that the variant is pathogenic, but additional data are needed to prove that conclusively. Therefore, this variant has been classified as Likely Pathogenic.

Natera, Inc.
Classification: Uncertain significance for Autosomal recessive polycystic kidney disease. Last evaluated: 2018-11-25. Review status: no assertion criteria provided. Collection method: clinical testing. Allele origin: germline. Not counted in ClinVar's aggregate classification.

NM_138694.4(PKHD1):c.1980C>G (p.Cys660Trp)

Gene: PKHD1 (PKHD1 ciliary IPT domain containing fibrocystin/polyductin; minus strand). Cytogenetic location: 6p12.2.
Variant type: single nucleotide variant.
Coding change: c.1980C>G on transcript NM_138694.4 (MANE Select); coding-DNA position 1980, C replaced by G.
Protein change: p.Cys660Trp; replaces cysteine 660 with tryptophan.
Molecular consequence: missense variant.
Genome position (GRCh38, 1-based): chr6:52,053,236, G>C on the plus strand (C>G on the coding strand, the complement: PKHD1 is on the minus strand). VCF-style: chr6-52053236-G-C. GRCh37 (hg19) VCF-style: chr6-51918034-G-C.
Other names: c.1980C>G, p.Cys660Trp (NM_170724.3); short protein forms C660W.
Identifiers: ClinVar variation 496516 (VCV000496516.7), dbSNP rs1554214097, ClinGen allele CA364444545.